The following is an entry in ClinVar:

ClinVar aggregate classification (germline): Likely benign (1 of 4 stars; one submission).

Allele frequency attached by ClinVar (database versions not stated): ExAC 0.00004; gnomAD 0.00005; TOPMed 0.00006; ESP Exome Variant Server 0.00008.
gnomAD v4.1: 20 of 1,604,090 alleles (0.0012%); highest among the groups gnomAD compares: Admixed American, 0.0017%; no homozygotes.

Submission:

CeGaT Center for Human Genetics Tuebingen
Classification: Likely benign. Last evaluated: 2023-09-01. Review status: criteria provided, single submitter. Criteria: CeGaT Center For Human Genetics Tuebingen Variant Classification Criteria Version 2. Collection method: clinical testing. Allele origin: germline. Affected: yes. Observed: 1 variant allele.
Comment: POU3F3: BP4, BP7

NM_006236.3(POU3F3):c.1485G>A (p.Leu495=)

Gene: POU3F3 (POU class 3 homeobox 3; plus strand). Cytogenetic location: 2q12.1.
Variant type: single nucleotide variant.
Coding change: c.1485G>A on transcript NM_006236.3 (MANE Select); coding-DNA position 1485, G replaced by A.
Protein change: p.Leu495=; no amino-acid change (leucine 495 retained).
Molecular consequence: synonymous variant.
Genome position (GRCh38, 1-based): chr2:104,856,995, G>A. VCF-style: chr2-104856995-G-A. GRCh37 (hg19) VCF-style: chr2-105473453-G-A.
Identifiers: ClinVar variation 2651222 (VCV002651222.24), dbSNP rs374340255, ClinGen allele CA1813033.